The following is an entry in ClinVar:

ClinVar aggregate classification (germline): Likely pathogenic (1 of 4 stars; one submission).

Conditions:
Autosomal recessive nonsyndromic hearing loss 4 (DFNB4). Also called: Deafness, autosomal recessive 4; FOXI1-Related Pendred Syndrome; KCNJ10-Related Pendred Syndrome; DEAFNESS, AUTOSOMAL RECESSIVE 4, WITH ENLARGED VESTIBULAR AQUEDUCT, DIGENIC; NEUROSENSORY NONSYNDROMIC RECESSIVE DEAFNESS 4; Nonsyndromic enlarged vestibular aqueduct (NSEVA). Identifiers: Orphanet 90636, MedGen C3538946, MONDO:0010933, OMIM 600791.

Submission:

Institute of Rare Diseases, West China Hospital, Sichuan University
Classification: Likely pathogenic for Autosomal recessive nonsyndromic hearing loss 4. Last evaluated: 2025-01-09. Review status: criteria provided, single submitter. Criteria: ClinGen HL ACMG Specifications v1. Collection method: research. Allele origin: germline. Affected: yes.
Comment: PVS1;PM2_Supporting

NM_000441.2(SLC26A4):c.175A>T (p.Lys59Ter)

Gene: SLC26A4 (solute carrier family 26 member 4; plus strand). Cytogenetic location: 7q22.3.
Variant type: single nucleotide variant.
Coding change: c.175A>T on transcript NM_000441.2 (MANE Select); coding-DNA position 175, A replaced by T.
Protein change: p.Lys59Ter; replaces lysine 59 with a stop codon.
Molecular consequence: nonsense.
Genome position (GRCh38, 1-based): chr7:107,663,306, A>T. VCF-style: chr7-107663306-A-T. GRCh37 (hg19) VCF-style: chr7-107303751-A-T.
Other names: short protein forms K59*.
Identifiers: ClinVar variation 3601751 (VCV003601751.1).